The following is an entry in ClinVar:

NM_002485.5(NBN):c.38-11A>G

Gene: NBN (nibrin; minus strand). Cytogenetic location: 8q21.3.
Variant type: single nucleotide variant.
Coding change: c.38-11A>G on transcript NM_002485.5 (MANE Select); 11 bases into the intron before coding-DNA position 38, A replaced by G.
Molecular consequence: intron variant.
Genome position (GRCh38, 1-based): chr8:89,982,866, T>C on the plus strand (A>G on the coding strand, the complement: NBN is on the minus strand). VCF-style: chr8-89982866-T-C. GRCh37 (hg19) VCF-style: chr8-90995094-T-C.
Other names: c.-259-11A>G (NM_001024688.3).
Identifiers: ClinVar variation 924226 (VCV000924226.7), dbSNP rs770165601, ClinGen allele CA583376831.

ClinVar aggregate classification (germline): Uncertain significance (1 of 4 stars; one submission).

Conditions:
Microcephaly, normal intelligence and immunodeficiency (NBS). Also called: Ataxia telangiectasia variant V1; IMMUNODEFICIENCY, MICROCEPHALY, AND CHROMOSOMAL INSTABILITY; SEEMANOVA SYNDROME II; Nijmegen breakage syndrome; Microcephaly with normal intelligence immunodeficiency and lymphoreticular malignancies; Nonsyndromal microcephaly autosomal recessive with normal intelligence. Identifiers: Orphanet 647, MedGen C0398791, MONDO:0009623, OMIM 251260.

Allele frequency attached by ClinVar (database versions not stated): gnomAD 0.00001.
gnomAD v4.1: 2 of 1,602,430 alleles (0.00012%); highest among the groups gnomAD compares: Non-Finnish European, 0.00017%; no homozygotes.

Submission:

Labcorp Genetics (formerly Invitae), Labcorp
Classification: Uncertain significance for Microcephaly, normal intelligence and immunodeficiency. Last evaluated: 2022-07-06. Review status: criteria provided, single submitter. Criteria: Invitae Variant Classification Sherloc (09022015). Collection method: clinical testing. Allele origin: germline.
Comment: In summary, the available evidence is currently insufficient to determine the role of this variant in disease. Therefore, it has been classified as a Variant of Uncertain Significance. Algorithms developed to predict the effect of sequence changes on RNA splicing suggest that this variant may disrupt the consensus splice site. ClinVar contains an entry for this variant (Variation ID: 924226). This variant has not been reported in the literature in individuals affected with NBN-related conditions. This variant is present in population databases (no rsID available, gnomAD 0.007%). This sequence change falls in intron 1 of the NBN gene. It does not directly change the encoded amino acid sequence of the NBN protein.